The following is an entry in ClinVar:

ClinVar aggregate classification (germline): Likely pathogenic (0 of 4 stars; one submission).

Conditions:
Aarskog syndrome (AAS). Also called: Aarskog Scott syndrome; Aarskog disease; Aarskog-Scott syndrome, X-linked; FGD1-Related Faciogenital Dysplasia (Aarskog-Scott Syndrome); FGDY. Identifiers: Orphanet 915, MedGen C0175701, MONDO:0010589, OMIM 305400.

Submission:

Istanbul Faculty of Medicine, Istanbul University
Classification: Likely pathogenic for Aarskog syndrome. Last evaluated: 2024-10-02. Review status: no assertion criteria provided. Collection method: clinical testing. Allele origin: germline. Affected: yes. Observed: 1 variant allele.
Comment: PVS1, PM2

NM_004463.3(FGD1):c.1696-1G>A

Gene: FGD1 (FYVE, RhoGEF and PH domain containing 1; minus strand). Cytogenetic location: Xp11.22.
Variant type: single nucleotide variant.
Coding change: c.1696-1G>A on transcript NM_004463.3 (MANE Select); the canonical splice acceptor site of the intron before coding-DNA position 1696, G replaced by A.
Molecular consequence: splice acceptor variant.
Genome position (GRCh38, 1-based): chrX:54,456,367, C>T on the plus strand (G>A on the coding strand, the complement: FGD1 is on the minus strand). VCF-style: chrX-54456367-C-T. GRCh37 (hg19) VCF-style: chrX-54482800-C-T.
Identifiers: ClinVar variation 3747859 (VCV003747859.1).